The following is an entry in ClinVar:

ClinVar aggregate classification (germline): Uncertain significance (1 of 4 stars; one submission).

Conditions:
Dilated cardiomyopathy 1II (CMD1II). Identifiers: Orphanet 154, MedGen C3554649, MONDO:0014073, OMIM 615184.

Allele frequency attached by ClinVar (database versions not stated): gnomAD 0.00001; TOPMed 0.00001.
gnomAD v4.1: 6 of 1,600,726 alleles (0.00037%); highest among the groups gnomAD compares: Admixed American, 0.0017%; no homozygotes.

Submission:

Labcorp Genetics (formerly Invitae), Labcorp
Classification: Uncertain significance for Dilated cardiomyopathy 1II. Last evaluated: 2025-01-11. Review status: criteria provided, single submitter. Criteria: Invitae Variant Classification Sherloc (09022015). Collection method: clinical testing. Allele origin: germline.
Comment: This sequence change replaces arginine, which is basic and polar, with histidine, which is basic and polar, at codon 12 of the CRYAB protein (p.Arg12His). This variant is not present in population databases (gnomAD no frequency). This variant has not been reported in the literature in individuals affected with CRYAB-related conditions. ClinVar contains an entry for this variant (Variation ID: 999046). An algorithm developed to predict the effect of missense changes on protein structure and function (PolyPhen-2) suggests that this variant is likely to be disruptive. This variant disrupts the p.Arg12 amino acid residue in CRYAB. Other variant(s) that disrupt this residue have been determined to be pathogenic (PMID: 26402864). This suggests that this residue is clinically significant, and that variants that disrupt this residue are likely to be disease-causing. In summary, the available evidence is currently insufficient to determine the role of this variant in disease. Therefore, it has been classified as a Variant of Uncertain Significance.

Literature cited by the submitters: PubMed 26402864.

NM_001289808.2(CRYAB):c.35G>A (p.Arg12His)

Gene: CRYAB (crystallin alpha B; minus strand). Cytogenetic location: 11q23.1.
Variant type: single nucleotide variant.
Coding change: c.35G>A on transcript NM_001289808.2 (MANE Select); coding-DNA position 35, G replaced by A.
Protein change: p.Arg12His; replaces arginine 12 with histidine.
Molecular consequence: missense variant.
Genome position (GRCh38, 1-based): chr11:111,911,690, C>T on the plus strand (G>A on the coding strand, the complement: CRYAB is on the minus strand). VCF-style: chr11-111911690-C-T. GRCh37 (hg19) VCF-style: chr11-111782414-C-T.
Other names: c.35G>A, p.Arg12His (NM_001289807.1, NM_001368245.1, NM_001885.3); short protein forms R12H.
Identifiers: ClinVar variation 999046 (VCV000999046.6), dbSNP rs930811941, ClinGen allele CA228546619.
Genomic context (GRCh38, chr11:111,911,690, plus strand): 5'-AGGTGCTCTCCGAAGAACTGGTCAAAGAGGCGGCTGGGGGAGTGGAAAGGAAAGAAGGGG[C>T]GGCGGATCCAGGGGTGGTGGATGGCGATGTCCATGGTGGCTAGGTGAGTGTGAGGGGTCA-3'
Protein context (NP_001276737.1, residues 2-22): DIAIHHPWIR[Arg12His]PFFPFHSPSR